The following is an entry in ClinVar:

ClinVar aggregate classification (germline): Likely pathogenic. Review status: criteria provided, multiple submitters, no conflicts (2 of 4 stars). 2 submissions from 2 submitters: Likely pathogenic (2). Last evaluated 2025-11-06.

Conditions:
Familial cancer of breast. Also called: BREAST CANCER, FAMILIAL; hereditary breast carcinoma; Hereditary breast cancer. Identifiers: Orphanet 227535, MedGen C0346153, MONDO:0016419, OMIM 114480. Disease mechanism: loss of function.

Submissions (2):

Labcorp Genetics (formerly Invitae), Labcorp
Classification: Likely pathogenic for Familial cancer of breast. Last evaluated: 2025-11-06. Review status: criteria provided, single submitter. Criteria: Invitae Variant Classification Sherloc (09022015). Collection method: clinical testing. Allele origin: germline.
Comment: This sequence change affects a donor splice site in intron 4 of the CHEK2 gene. It is expected to disrupt RNA splicing. Variants that disrupt the donor or acceptor splice site typically lead to a loss of protein function (PMID: 16199547), and loss-of-function variants in CHEK2 are known to be pathogenic (PMID: 21876083, 24713400). This variant is not present in population databases (gnomAD no frequency). This variant has not been reported in the literature in individuals affected with CHEK2-related conditions. ClinVar contains an entry for this variant (Variation ID: 2584137). Algorithms developed to predict the effect of sequence changes on RNA splicing suggest that this variant may disrupt the consensus splice site. In summary, the currently available evidence indicates that the variant is pathogenic, but additional data are needed to prove that conclusively. Therefore, this variant has been classified as Likely Pathogenic.

Myriad Genetics, Inc.
Classification: Likely pathogenic for Familial cancer of breast. Last evaluated: 2023-06-26. Review status: criteria provided, single submitter. Criteria: Myriad Autosomal Dominant, Autosomal Recessive and X-Linked Classification Criteria (2023). Collection method: clinical testing. Allele origin: unknown.
Comment: This variant is considered likely pathogenic. This variant occurs within a consensus splice junction and is predicted to result in abnormal mRNA splicing of either an out-of-frame exon or an in-frame exon necessary for protein stability and/or normal function.

Literature cited by the submitters: PubMed 16199547 (cited by Labcorp Genetics (formerly Invitae), Labcorp); PubMed 21876083 (cited by Labcorp Genetics (formerly Invitae), Labcorp); PubMed 24713400 (cited by Labcorp Genetics (formerly Invitae), Labcorp).

NM_007194.4(CHEK2):c.592+2T>A

Gene: CHEK2 (checkpoint kinase 2; minus strand). Cytogenetic location: 22q12.1.
Variant type: single nucleotide variant.
Coding change: c.592+2T>A on transcript NM_007194.4 (MANE Select); the canonical splice donor site of the intron after coding-DNA position 592, T replaced by A.
Molecular consequence: splice donor variant. On other transcripts: intron variant (1).
Genome position (GRCh38, 1-based): chr22:28,724,975, A>T on the plus strand (T>A on the coding strand, the complement: CHEK2 is on the minus strand). VCF-style: chr22-28724975-A-T. GRCh37 (hg19) VCF-style: chr22-29120963-A-T.
Other names: c.-72+2T>A (NM_001437942.1); c.445-52T>A (NM_001349956.3); c.592+2T>A (NM_145862.3); c.-186+2T>A (NM_001257387.3); c.685+2T>A (NM_001438295.1, NM_001438293.1); c.721+2T>A (NM_001438294.1, NM_001005735.3).
Identifiers: ClinVar variation 2584137 (VCV002584137.3), dbSNP rs1601822717, ClinGen allele CA411106880.
Genomic context (GRCh38, chr22:28,724,975, plus strand): 5'-ATTTTCCTCCTATGAGAGAGTGGAAAAAAAAAATTCCAGTAACCATAAGATAATAATATT[A>T]CCTTTATTTCTGCTTAGTGACAGTGCAATTTCAGAATTGTTATTCAAAGGACGGCGTTTT-3'